The following is an entry in ClinVar:

ClinVar aggregate classification (germline): Uncertain significance (1 of 4 stars; one submission).

Allele frequency attached by ClinVar (database versions not stated): gnomAD exomes below 0.00001.

Submission:

Ambry Genetics
Classification: Uncertain significance. Last evaluated: 2024-08-30. Review status: criteria provided, single submitter. Criteria: Ambry Variant Classification Scheme 2023. Collection method: clinical testing. Allele origin: germline.
Comment: The p.S112N variant (also known as c.335G>A), located in coding exon 1 of the PALLD gene, results from a G to A substitution at nucleotide position 335. The serine at codon 112 is replaced by asparagine, an amino acid with highly similar properties. This amino acid position is conserved. In addition, this alteration is predicted to be tolerated by in silico analysis. Since supporting evidence is limited at this time, the clinical significance of this alteration remains unclear.

NM_001166108.2(PALLD):c.335G>A (p.Ser112Asn)

Gene: PALLD (palladin, cytoskeletal associated protein; plus strand). Cytogenetic location: 4q32.3.
Variant type: single nucleotide variant.
Coding change: c.335G>A on transcript NM_001166108.2 (MANE Select); coding-DNA position 335, G replaced by A.
Protein change: p.Ser112Asn; replaces serine 112 with asparagine.
Molecular consequence: missense variant.
Genome position (GRCh38, 1-based): chr4:168,511,839, G>A. VCF-style: chr4-168511839-G-A. GRCh37 (hg19) VCF-style: chr4-169432990-G-A.
Other names: c.335G>A, p.Ser112Asn (NM_016081.4); short protein forms S112N.
Identifiers: ClinVar variation 1730593 (VCV001730593.4), dbSNP rs2531430819, ClinGen allele CA358725436.
Genomic context (GRCh38, chr4:168,511,839, plus strand): 5'-GGAGACCTCAGGATAACAGGTCAACACCTGTCCAGCCTCTGGCAGAGAAACAAACTAAGA[G>A]TATCTCTTCACCTGTTTCAAAGAGGAAACCTGCCATGTCACCCCTGCTCACCAGGCCCAG-3'
Protein context (NP_001159580.1, residues 102-122): VQPLAEKQTK[Ser112Asn]ISSPVSKRKP